The following is an entry in ClinVar:

ClinVar aggregate classification (germline): Uncertain significance. Review status: criteria provided, multiple submitters, no conflicts (2 of 4 stars). 4 submissions from 4 submitters: Uncertain significance (4). Last evaluated 2026-08-25.

Conditions:
Pheochromocytoma/paraganglioma syndrome 5. Also called: SDHA-Related Hereditary Paraganglioma-Pheochromocytoma Syndrome; Paragangliomas 5. Identifiers: Orphanet 29072, MedGen C3279992, MONDO:0013602, OMIM 614165.
Mitochondrial complex II deficiency, nuclear type 1. Also called: SUCCINATE CoQ REDUCTASE DEFICIENCY. Identifiers: Orphanet 3208, MedGen C5700310, MONDO:0100294, OMIM 252011.
SDHA-related disorder. Also called: SDHA-related condition; SDHA-related disorders.
Hereditary cancer-predisposing syndrome. Also called: Neoplastic Syndromes, Hereditary; Hereditary Cancer Syndrome; Tumor predisposition; Hereditary neoplastic syndrome. Identifiers: Orphanet 140162, MedGen C0027672, MeSH D009386, MONDO:0015356.

Allele frequency attached by ClinVar (database versions not stated): gnomAD below 0.00001 and 0.00001; gnomAD exomes 0.00001 and 0.00004.
gnomAD v4.1: 51 of 1,612,384 alleles (0.0032%); highest among the groups gnomAD compares: Non-Finnish European, 0.0042%; no homozygotes.

Submissions (4):

PreventionGenetics, part of Exact Sciences
Classification: Uncertain significance for SDHA-related condition. Last evaluated: 2026-08-25. Review status: criteria provided, single submitter. Criteria: ACMG Guidelines, 2015. Collection method: clinical testing. Allele origin: germline.
Comment: The SDHA c.305C>T variant is predicted to result in the amino acid substitution p.Ala102Val. To our knowledge, this variant has not been reported in the literature. This variant is reported in 0.0018% of alleles in individuals of European (Non-Finnish) descent in gnomAD and is classified as a variant of uncertain significance in ClinVar (Variation ID: 858570). At this time, the clinical significance of this variant is uncertain due to the absence of conclusive functional and genetic evidence.

Ambry Genetics
Classification: Uncertain significance for Hereditary cancer-predisposing syndrome. Last evaluated: 2025-02-15. Review status: criteria provided, single submitter. Criteria: Ambry Variant Classification Scheme 2023. Collection method: clinical testing. Allele origin: germline.
Comment: The p.A102V variant (also known as c.305C>T), located in coding exon 3 of the SDHA gene, results from a C to T substitution at nucleotide position 305. The alanine at codon 102 is replaced by valine, an amino acid with similar properties. This amino acid position is highly conserved in available vertebrate species. In addition, this alteration is predicted to be deleterious by in silico analysis. Since supporting evidence is limited at this time, the clinical significance of this alteration remains unclear.

Labcorp Genetics (formerly Invitae), Labcorp
Classification: Uncertain significance for Pheochromocytoma/paraganglioma syndrome 5; Mitochondrial complex II deficiency, nuclear type 1. Last evaluated: 2024-10-02. Review status: criteria provided, single submitter. Criteria: Invitae Variant Classification Sherloc (09022015). Collection method: clinical testing. Allele origin: germline.
Comment: This sequence change replaces alanine, which is neutral and non-polar, with valine, which is neutral and non-polar, at codon 102 of the SDHA protein (p.Ala102Val). This variant is present in population databases (no rsID available, gnomAD 0.002%). This variant has not been reported in the literature in individuals affected with SDHA-related conditions. ClinVar contains an entry for this variant (Variation ID: 858570). Invitae Evidence Modeling of protein sequence and biophysical properties (such as structural, functional, and spatial information, amino acid conservation, physicochemical variation, residue mobility, and thermodynamic stability) has been performed for this missense variant. However, the output from this modeling did not meet the statistical confidence thresholds required to predict the impact of this variant on SDHA protein function. In summary, the available evidence is currently insufficient to determine the role of this variant in disease. Therefore, it has been classified as a Variant of Uncertain Significance.

GeneDx
Classification: Uncertain significance. Last evaluated: 2024-03-06. Review status: criteria provided, single submitter. Criteria: GeneDx Variant Classification Process June 2021. Collection method: clinical testing. Allele origin: germline. Affected: yes.
Comment: Not observed at significant frequency in large population cohorts (gnomAD); In silico analysis supports that this missense variant has a deleterious effect on protein structure/function; Has not been previously published as pathogenic or benign to our knowledge

NM_004168.4(SDHA):c.305C>T (p.Ala102Val)

Gene: SDHA (succinate dehydrogenase complex flavoprotein subunit A; plus strand). Cytogenetic location: 5p15.33.
Variant type: single nucleotide variant.
Coding change: c.305C>T on transcript NM_004168.4 (MANE Select); coding-DNA position 305, C replaced by T.
Protein change: p.Ala102Val; replaces alanine 102 with valine.
Molecular consequence: missense variant.
Genome position (GRCh38, 1-based): chr5:224,514, C>T. VCF-style: chr5-224514-C-T. GRCh37 (hg19) VCF-style: chr5-224629-C-T.
Other names: c.305C>T, p.Ala102Val (NM_001294332.2, NM_001330758.2); c.305C>T (NM_004168.2); short protein forms A102V.
Identifiers: ClinVar variation 858570 (VCV000858570.14), dbSNP rs1240528592, ClinGen allele CA359008685.